The following is an entry in ClinVar:

NM_000400.4(ERCC2):c.1837C>T (p.His613Tyr)

Gene: ERCC2 (ERCC excision repair 2, TFIIH core complex helicase subunit; minus strand). Cytogenetic location: 19q13.32.
Variant type: single nucleotide variant.
Coding change: c.1837C>T on transcript NM_000400.4 (MANE Select); coding-DNA position 1837, C replaced by T.
Protein change: p.His613Tyr; replaces histidine 613 with tyrosine.
Molecular consequence: missense variant.
Genome position (GRCh38, 1-based): chr19:45,352,811, G>A on the plus strand (C>T on the coding strand, the complement: ERCC2 is on the minus strand). VCF-style: chr19-45352811-G-A. GRCh37 (hg19) VCF-style: chr19-45856069-G-A.
Other names: short protein forms H613Y.
Identifiers: ClinVar variation 1781062 (VCV001781062.2), dbSNP rs1173304010, ClinGen allele CA406363944.

ClinVar aggregate classification (germline): Uncertain significance (1 of 4 stars; one submission).

Conditions:
Inborn genetic diseases. Identifiers: MedGen C0950123, MeSH D030342.

Allele frequency attached by ClinVar (database versions not stated): gnomAD exomes 0.00001.
gnomAD v4.1: 6 of 1,613,656 alleles (0.00037%); highest among the groups gnomAD compares: Non-Finnish European, 0.00042%; no homozygotes.

Submission:

Ambry Genetics
Classification: Uncertain significance for Inborn genetic diseases. Last evaluated: 2021-10-13. Review status: criteria provided, single submitter. Criteria: Ambry Variant Classification Scheme 2023. Collection method: clinical testing. Allele origin: germline.
Comment: The p.H613Y variant (also known as c.1837C>T), located in coding exon 20 of the ERCC2 gene, results from a C to T substitution at nucleotide position 1837. The histidine at codon 613 is replaced by tyrosine, an amino acid with similar properties. This amino acid position is conserved. In addition, this alteration is predicted to be deleterious by in silico analysis. Since supporting evidence is limited at this time, the clinical significance of this alteration remains unclear.